The following is an entry in ClinVar:

ClinVar aggregate classification (germline): Uncertain significance (1 of 4 stars; one submission).

Conditions:
Asphyxiating thoracic dystrophy 5 (SRTD5). Also called: SHORT-RIB THORACIC DYSPLASIA 5 WITH OR WITHOUT POLYDACTYLY; SHORT-RIB THORACIC DYSPLASIA 5 WITHOUT POLYDACTYLY. Identifiers: Orphanet 474, MedGen C3280598, MONDO:0013717, OMIM 614376.
Senior-Loken syndrome 8 (SLSN8). Identifiers: Orphanet 3156, MedGen C4225376, MONDO:0014579, OMIM 616307.

Allele frequency attached by ClinVar (database versions not stated): TOPMed below 0.00001; gnomAD 0.00001.

Submission:

Labcorp Genetics (formerly Invitae), Labcorp
Classification: Uncertain significance for Senior-Loken syndrome 8; Asphyxiating thoracic dystrophy 5. Last evaluated: 2022-07-19. Review status: criteria provided, single submitter. Criteria: Invitae Variant Classification Sherloc (09022015). Collection method: clinical testing. Allele origin: germline.
Comment: This variant has not been reported in the literature in individuals affected with WDR19-related conditions. In summary, the available evidence is currently insufficient to determine the role of this variant in disease. Therefore, it has been classified as a Variant of Uncertain Significance. Algorithms developed to predict the effect of missense changes on protein structure and function (SIFT, PolyPhen-2, Align-GVGD) all suggest that this variant is likely to be disruptive. ClinVar contains an entry for this variant (Variation ID: 1382095). This variant is not present in population databases (gnomAD no frequency). This sequence change replaces histidine, which is basic and polar, with tyrosine, which is neutral and polar, at codon 1283 of the WDR19 protein (p.His1283Tyr).

NM_025132.4(WDR19):c.3847C>T (p.His1283Tyr)

Gene: WDR19 (WD repeat domain 19; plus strand). Cytogenetic location: 4p14.
Variant type: single nucleotide variant.
Coding change: c.3847C>T on transcript NM_025132.4 (MANE Select); coding-DNA position 3847, C replaced by T.
Protein change: p.His1283Tyr; replaces histidine 1283 with tyrosine.
Molecular consequence: missense variant.
Genome position (GRCh38, 1-based): chr4:39,278,137, C>T. VCF-style: chr4-39278137-C-T. GRCh37 (hg19) VCF-style: chr4-39279757-C-T.
Other names: c.3367C>T, p.His1123Tyr (NM_001317924.2); short protein forms H1283Y, H1123Y.
Identifiers: ClinVar variation 1382095 (VCV001382095.6), dbSNP rs1187043579, ClinGen allele CA356653693.